The following is an entry in ClinVar:

ClinVar aggregate classification (germline): Pathogenic/Likely pathogenic. Review status: criteria provided, multiple submitters, no conflicts (2 of 4 stars). 2 submissions from 2 submitters: Pathogenic (1); Likely pathogenic (1). Last evaluated 2026-07-01.

Conditions:
Hereditary cancer-predisposing syndrome. Also called: Hereditary Cancer Syndrome; Neoplastic Syndromes, Hereditary; Tumor predisposition; Hereditary neoplastic syndrome. Identifiers: Orphanet 140162, MedGen C0027672, MeSH D009386, MONDO:0015356.

Submissions (2):

CeGaT Center for Human Genetics Tuebingen
Classification: Pathogenic. Last evaluated: 2026-07-01. Review status: criteria provided, single submitter. Criteria: CeGaT Center For Human Genetics Tuebingen Variant Classification Criteria Version 2. Collection method: clinical testing. Allele origin: germline. Affected: yes. Observed: 1 variant allele.
Comment: STK11: PVS1, PM2, PP4

Ambry Genetics
Classification: Likely pathogenic for Hereditary cancer-predisposing syndrome. Last evaluated: 2025-03-06. Review status: criteria provided, single submitter. Criteria: Ambry Variant Classification Scheme 2023. Collection method: clinical testing. Allele origin: germline.
Comment: The c.597+2T>C intronic variant results from a T to C substitution two nucleotides after coding exon 4 in the STK11 gene. This variant is considered to be rare based on population cohorts in the Genome Aggregation Database (gnomAD). This nucleotide position is highly conserved in available vertebrate species. In silico splice site analysis predicts that this alteration will weaken the native splice donor site and may result in the creation or strengthening of a novel splice donor site. Alterations that disrupt the canonical splice site are expected to cause aberrant splicing, resulting in an abnormal protein or a transcript that is subject to nonsense-mediated mRNA decay. As such, this alteration is classified as likely pathogenic.

NM_000455.5(STK11):c.597+2T>C

Gene: STK11 (serine/threonine kinase 11; plus strand). Cytogenetic location: 19p13.3.
Variant type: single nucleotide variant.
Coding change: c.597+2T>C on transcript NM_000455.5 (MANE Select); the canonical splice donor site of the intron after coding-DNA position 597, T replaced by C.
Molecular consequence: splice donor variant.
Genome position (GRCh38, 1-based): chr19:1,220,507, T>C. VCF-style: chr19-1220507-T-C. GRCh37 (hg19) VCF-style: chr19-1220506-T-C.
Other names: c.597+2T>C (NM_001407255.1).
Identifiers: ClinVar variation 3802379 (VCV003802379.2).